The following is an entry in ClinVar:

ClinVar aggregate classification (germline): Likely benign (1 of 4 stars; one submission).

gnomAD v4.1: 17 of 1,547,448 alleles (0.0011%); highest among the groups gnomAD compares: Middle Eastern, 0.017%; no homozygotes.

Submission:

CeGaT Center for Human Genetics Tuebingen
Classification: Likely benign. Last evaluated: 2026-05-01. Review status: criteria provided, single submitter. Criteria: CeGaT Center For Human Genetics Tuebingen Variant Classification Criteria Version 2. Collection method: clinical testing. Allele origin: germline. Affected: yes. Observed: 1 variant allele.
Comment: GNAI1: BP4, BP7

NM_002069.6(GNAI1):c.24G>A (p.Glu8=)

Gene: GNAI1 (G protein subunit alpha i1; plus strand). Cytogenetic location: 7q21.11.
Variant type: single nucleotide variant.
Coding change: c.24G>A on transcript NM_002069.6 (MANE Select); coding-DNA position 24, G replaced by A.
Protein change: p.Glu8=; no amino-acid change (glutamic acid 8 retained).
Molecular consequence: synonymous variant.
Genome position (GRCh38, 1-based): chr7:80,135,184, G>A. VCF-style: chr7-80135184-G-A. GRCh37 (hg19) VCF-style: chr7-79764500-G-A.
Identifiers: ClinVar variation 4873979 (VCV004873979.2).